The following is an entry in ClinVar:

NM_052947.4(ALPK2):c.3545G>C (p.Gly1182Ala)

Gene: ALPK2 (alpha kinase 2; minus strand). Cytogenetic location: 18q21.31.
Variant type: single nucleotide variant.
Coding change: c.3545G>C on transcript NM_052947.4 (MANE Select); coding-DNA position 3545, G replaced by C.
Protein change: p.Gly1182Ala; replaces glycine 1182 with alanine.
Molecular consequence: missense variant.
Genome position (GRCh38, 1-based): chr18:58,536,642, C>G on the plus strand (G>C on the coding strand, the complement: ALPK2 is on the minus strand). VCF-style: chr18-58536642-C-G. GRCh37 (hg19) VCF-style: chr18-56203874-C-G.
Other names: short protein forms G1182A.
Identifiers: ClinVar variation 3228696 (VCV003228696.1), dbSNP rs2518876317, ClinGen allele CA402566489.

ClinVar aggregate classification (germline): Uncertain significance (1 of 4 stars; one submission).

Submission:

Ambry Genetics
Classification: Uncertain significance. Last evaluated: 2024-03-09. Review status: criteria provided, single submitter. Criteria: Ambry Variant Classification Scheme 2023. Collection method: clinical testing. Allele origin: germline.
Comment: The p.G1182A variant (also known as c.3545G>C), located in coding exon 4 of the ALPK2 gene, results from a G to C substitution at nucleotide position 3545. The glycine at codon 1182 is replaced by alanine, an amino acid with similar properties. This amino acid position is conserved. In addition, this alteration is predicted to be tolerated by in silico analysis. Based on the available evidence, the clinical significance of this alteration remains unclear.